The following is an entry in ClinVar:

NM_032043.3(BRIP1):c.2108delinsTCC (p.Lys703fs)

Gene: BRIP1 (BRCA1 interacting DNA helicase 1; minus strand). Cytogenetic location: 17q23.2.
Variant type: Indel.
Coding change: c.2108delinsTCC on transcript NM_032043.3 (MANE Select); coding-DNA position 2108, A replaced by TCC.
Protein change: p.Lys703fs; shifts the reading frame from lysine 703.
Molecular consequence: frameshift variant.
Genome position (GRCh38, 1-based): chr17:61,744,581, T replaced by GGA on the plus strand (A replaced by TCC on the coding strand, the reverse complement: BRIP1 is on the minus strand). VCF-style: chr17-61744581-T-GGA. GRCh37 (hg19) VCF-style: chr17-59821942-T-GGA.
Other names: c.2108delAinsTCC (NM_032043.2); short protein forms K703fs.
Identifiers: ClinVar variation 186992 (VCV000186992.33), dbSNP rs786203384, ClinGen allele CA196420.
Genomic context (GRCh38, chr17:61,744,581, plus strand): 5'-ACTGTCTTCACCAACTCCAGATTATGCCATAAACCAGTAGAGAGCCAACGTTCTTTTAAT[T>GGA]TTTCTAATAACTAAAGAGGGGAAAGAAAAAAATGATTTTTTGTGTGTCTAGCTAAACAAA-3'

ClinVar aggregate classification (germline): Pathogenic. Review status: criteria provided, multiple submitters, no conflicts (2 of 4 stars). 11 submissions from 11 submitters: Pathogenic (11). Last evaluated 2026-07-27.

Conditions:
BRIP1-related disorder. Also called: BRIP1-related condition; BRIP1-related disorders. Identifiers: MedGen CN239206.
Familial cancer of breast. Also called: Hereditary breast cancer; BREAST CANCER, FAMILIAL; hereditary breast carcinoma. Identifiers: Orphanet 227535, MedGen C0346153, MONDO:0016419, OMIM 114480. Disease mechanism: loss of function.
Fanconi anemia complementation group J. Also called: BRIP1-Related Fanconi Anemia. Identifiers: Orphanet 84, MedGen C1836860, MONDO:0012187, OMIM 609054.
Hereditary cancer-predisposing syndrome. Also called: Neoplastic Syndromes, Hereditary; Tumor predisposition; Hereditary neoplastic syndrome; Hereditary Cancer Syndrome. Identifiers: Orphanet 140162, MedGen C0027672, MeSH D009386, MONDO:0015356.

Submissions (11):

PreventionGenetics, part of Exact Sciences
Classification: Pathogenic for BRIP1-related condition. Last evaluated: 2026-07-27. Review status: criteria provided, single submitter. Criteria: ACMG Guidelines, 2015. Collection method: clinical testing. Allele origin: germline.
Comment: The BRIP1 c.2108delinsTCC variant is predicted to result in a frameshift and premature protein termination (p.Lys703Ilefs*3). This variant has been reported in multiple individuals with breast/ovarian cancer (Table S2 - Walsh et al. 2011. PubMed ID: 22006311; Table S2, Couch et al. 2014. PubMed ID: 25452441, Table S1, Carter et al. 2018. PubMed ID: 30322717; Helgadottir et al. 2021. PubMed ID: 34282249), an individual with medulloblastoma (Table S2, Waszak et al. 2018. PubMed ID: 29753700), an individual with renal cell carcinoma (Table S4, Hartman et al. 2020. PubMed ID: 32782288), and an individual with recurrent breast cancer who later developed pancreatic cancer (Yurgelun et al. 2019. PubMed ID: 29961768). This variant has not been reported in a large population database (gnomAD), indicating this variant is rare. This variant is classified as pathogenic in ClinVar (Variation ID: 186992). Frameshift variants in BRIP1 are expected to be pathogenic. This variant is interpreted as pathogenic.

Labcorp Genetics (formerly Invitae), Labcorp
Classification: Pathogenic for Familial cancer of breast; Fanconi anemia complementation group J. Last evaluated: 2025-12-17. Review status: criteria provided, single submitter. Criteria: Invitae Variant Classification Sherloc (09022015). Collection method: clinical testing. Allele origin: germline.
Comment: This sequence change creates a premature translational stop signal (p.Lys703Ilefs*3) in the BRIP1 gene. It is expected to result in an absent or disrupted protein product. Loss-of-function variants in BRIP1 are known to be pathogenic (PMID: 16116423, 17033622, 21964575). Information on the frequency of this variant in the gnomAD database is not available, as this variant may be reported differently in the database. This premature translational stop signal has been observed in individual(s) with breast cancer, ovarian cancer, and/or pancreatic cancer (PMID: 22006311, 25452441, 26720728, 29961768). ClinVar contains an entry for this variant (Variation ID: 186992). For these reasons, this variant has been classified as Pathogenic.

Ambry Genetics
Classification: Pathogenic for Hereditary cancer-predisposing syndrome. Last evaluated: 2025-02-24. Review status: criteria provided, single submitter. Criteria: Ambry Variant Classification Scheme 2023. Collection method: clinical testing. Allele origin: germline.
Comment: The c.2108delAinsTCC pathogenic mutation, located in coding exon 14 of the BRIP1 gene, results from the deletion of one nucleotide and insertion of 3 nucleotides causing a translational frameshift with a predicted alternate stop codon (p.K703Ifs*3). This mutation has previously been reported in multiple individuals and families affected with ovarian and/or breast cancer (Walsh T et al. Proc. Natl. Acad. Sci. U.S.A. 2011 Nov;108:18032-7; Helgadottir HT et al. Sci Rep, 2021 07;11:14737; Arvai KJ et al. Hered Cancer Clin Pract, 2019 Jul;17:19; Carter NJ et al. Gynecol Oncol, 2018 12;151:481-488; Norquist BM et al. JAMA Oncol, 2016 Apr;2:482-90; Kanchi KL et al. Nat Commun, 2014;5:3156), in a patient diagnosed with both breast and pancreatic cancers (Yurgelun MB et al. Genet Med, 2019 01;21:213-223), and in a patient with medulloblastoma (Waszak SM et al. Lancet Oncol. 2018 Jun;19:785-798). This variant is considered to be rare based on population cohorts in the Genome Aggregation Database (gnomAD). In addition to the clinical data presented in the literature, this alteration is expected to result in loss of function by premature protein truncation or nonsense-mediated mRNA decay. As such, this alteration is interpreted as a disease-causing mutation.

Color Diagnostics, LLC DBA Color Health
Classification: Pathogenic for Hereditary cancer-predisposing syndrome. Last evaluated: 2025-01-21. Review status: criteria provided, single submitter. Criteria: ACMG Guidelines, 2015. Collection method: clinical testing. Allele origin: germline.
Comment: This variant replaces 1 nucleotide with 3 new nucleotides in exon 15 of the BRIP1 gene, creating a frameshift and premature translation stop signal. This variant is expected to result in an absent or non-functional protein product. This variant has been reported in individuals affected with ovarian cancer, breast cancer, and pancreatic cancer (PMID: 22006311, 24240112, 26720728, 29961768). This variant has not been identified in the general population by the Genome Aggregation Database (gnomAD). Loss of BRIP1 function is a known mechanism of disease. Based on the available evidence, this variant is classified as Pathogenic.

Greenwood Genetic Center Diagnostic Laboratories, Greenwood Genetic Center
Classification: Pathogenic for Familial cancer of breast. Last evaluated: 2024-10-07. Review status: criteria provided, single submitter. Criteria: ACMG Guidelines, 2015. Collection method: clinical testing. Allele origin: germline.
Comment: PVS1, PS4, PM2

Fulgent Genetics
Classification: Pathogenic for Familial cancer of breast; Fanconi anemia complementation group J. Last evaluated: 2024-03-08. Review status: criteria provided, single submitter. Criteria: ACMG Guidelines, 2015. Collection method: clinical testing. Allele origin: germline.

Baylor Genetics
Classification: Pathogenic for Familial cancer of breast. Last evaluated: 2024-01-22. Review status: criteria provided, single submitter. Criteria: ACMG Guidelines, 2015. Collection method: clinical testing. Allele origin: unknown.

GeneDx
Classification: Pathogenic. Last evaluated: 2023-11-03. Review status: criteria provided, single submitter. Criteria: GeneDx Variant Classification Process June 2021. Collection method: clinical testing. Allele origin: germline. Affected: yes.
Comment: Frameshift variant predicted to result in protein truncation or nonsense mediated decay in a gene for which loss-of-function is a known mechanism of disease; Not observed at significant frequency in large population cohorts (gnomAD); This variant is associated with the following publications: (PMID: 17033622, 26689913, 22006311, 25452441, 26720728, 26681312, 26315354, 19763819, 23242139, 26921362, 29753700, 29961768, 30322717, 32782288, 16116423, 24448499, 21964575, 31341520, 34282249)

Myriad Genetics, Inc.
Classification: Pathogenic for Familial cancer of breast. Last evaluated: 2023-06-06. Review status: criteria provided, single submitter. Criteria: Myriad Autosomal Dominant, Autosomal Recessive and X-Linked Classification Criteria (2023). Collection method: clinical testing. Allele origin: unknown.
Comment: This variant is considered pathogenic. This variant creates a frameshift predicted to result in premature protein truncation.

Revvity Omics, Revvity
Classification: Pathogenic for Fanconi anemia complementation group J. Last evaluated: 2020-09-11. Review status: criteria provided, single submitter. Criteria: ACMG Guidelines, 2015. Collection method: clinical testing. Allele origin: germline.

Department of Pathology and Laboratory Medicine, Sinai Health System
Classification: Pathogenic for Familial cancer of breast; Fanconi anemia complementation group J. Last evaluated: 2020-01-23. Review status: criteria provided, single submitter. Criteria: ACMG Guidelines, 2015. Collection method: clinical testing. Allele origin: germline.

Literature cited by the submitters: PubMed 16116423 (cited by Labcorp Genetics (formerly Invitae), Labcorp); PubMed 17033622 (cited by 3 submitters); PubMed 21964575 (cited by Labcorp Genetics (formerly Invitae), Labcorp); PubMed 22006311 (cited by 4 submitters); PubMed 25452441 (cited by Labcorp Genetics (formerly Invitae), Labcorp and Department of Pathology and Laboratory Medicine, Sinai Health System); PubMed 26720728 (cited by 3 submitters); PubMed 29961768 (cited by 3 submitters); PubMed 24448499 (cited by Ambry Genetics); PubMed 29753700 (cited by Ambry Genetics); PubMed 30322717 (cited by Ambry Genetics); PubMed 31341520 (cited by Ambry Genetics); PubMed 34282249 (cited by Ambry Genetics); PubMed 24240112 (cited by Color Diagnostics, LLC DBA Color Health).